The following is an entry in ClinVar:

NM_002693.3(POLG):c.2764C>T (p.Gln922Ter)

Gene: POLG (DNA polymerase gamma, catalytic subunit; minus strand). Cytogenetic location: 15q26.1.
Variant type: single nucleotide variant.
Coding change: c.2764C>T on transcript NM_002693.3 (MANE Select); coding-DNA position 2764, C replaced by T.
Protein change: p.Gln922Ter; replaces glutamine 922 with a stop codon.
Molecular consequence: nonsense.
Genome position (GRCh38, 1-based): chr15:89,320,983, G>A on the plus strand (C>T on the coding strand, the complement: POLG is on the minus strand). VCF-style: chr15-89320983-G-A. GRCh37 (hg19) VCF-style: chr15-89864214-G-A.
Other names: c.2764C>T, p.Gln922Ter (NM_001126131.2); short protein forms Q922*.
Identifiers: ClinVar variation 2825372 (VCV002825372.3), dbSNP rs2509217738, ClinGen allele CA393753228.
Genomic context (GRCh38, chr15:89,320,983, plus strand): 5'-TGATGCCCACAGTAGTGGCTGTCTTACTGTGTAGATCAGTGCCCCTGCTCTTCCTGCCCT[G>A]CAGTGTCATCCACCCAAAGGCTGTGCAGCCTGGAAGACAAGCAGGAGTGAGAAAAGCAGC-3'

ClinVar aggregate classification (germline): Pathogenic (1 of 4 stars; one submission).

Conditions:
Progressive sclerosing poliodystrophy (MTDPS4A). Also called: ALPERS PROGRESSIVE INFANTILE POLIODYSTROPHY; NEURONAL DEGENERATION OF CHILDHOOD WITH LIVER DISEASE, PROGRESSIVE; Alpers Syndrome; ALPERS DIFFUSE DEGENERATION OF CEREBRAL GRAY MATTER WITH HEPATIC CIRRHOSIS; Alpers-Huttenlocher Syndrome; Mitochondrial DNA Depletion Syndrome 4A. Identifiers: Orphanet 726, MedGen C0205710, MONDO:0008758, OMIM 203700.

Submission:

Labcorp Genetics (formerly Invitae), Labcorp
Classification: Pathogenic for Progressive sclerosing poliodystrophy. Last evaluated: 2022-12-31. Review status: criteria provided, single submitter. Criteria: Invitae Variant Classification Sherloc (09022015). Collection method: clinical testing. Allele origin: germline.
Comment: For these reasons, this variant has been classified as Pathogenic. This variant has not been reported in the literature in individuals affected with POLG-related conditions. This variant is not present in population databases (gnomAD no frequency). This sequence change creates a premature translational stop signal (p.Gln922*) in the POLG gene. It is expected to result in an absent or disrupted protein product. Loss-of-function variants in POLG are known to be pathogenic (PMID: 18546365).

Literature cited by the submitters: PubMed 18546365.